The following is an entry in ClinVar:

NC_000019.9:g.(?_1206913)_(1219422_?)del

Gene: STK11 (serine/threonine kinase 11; plus strand). Cytogenetic location: 19p13.3.
Variant type: Deletion.
Identifiers: ClinVar variation 1350425 (VCV001350425.5).

ClinVar aggregate classification (germline): Pathogenic (1 of 4 stars; one submission).

Conditions:
Peutz-Jeghers syndrome (PJS). Also called: POLYPOSIS, HAMARTOMATOUS INTESTINAL; POLYPS-AND-SPOTS SYNDROME; Peutz-Jeghers polyposis; Periorificial lentiginosis syndrome. Identifiers: Orphanet 2869, MedGen C0031269, MeSH D010580, MONDO:0008280, OMIM 175200.

Submission:

Labcorp Genetics (formerly Invitae), Labcorp
Classification: Pathogenic for Peutz-Jeghers syndrome. Last evaluated: 2021-08-04. Review status: criteria provided, single submitter. Criteria: Invitae Variant Classification Sherloc (09022015). Collection method: clinical testing. Allele origin: germline.
Comment: This variant is a gross deletion of the genomic region encompassing exon(s) 1-3 of the STK11 gene, which includes the initiator codon. The 5' end of this event is unknown as it extends beyond the assayed region for this gene and therefore may encompass additional genes. The 3' boundary is likely confined to intron 3 of the STK11 gene. It is expected to result in an absent or disrupted protein product. Loss-of-function variants in STK11 are known to be pathogenic (PMID: 15188174, 16287113). A similar copy number variant has been observed in individual(s) with Peutz-Jeghers syndrome (PMID: 16648371, 20623358). For these reasons, this variant has been classified as Pathogenic.

Literature cited by the submitters: PubMed 15188174; PubMed 16287113; PubMed 16648371; PubMed 20623358.